The following is an entry in ClinVar:

NM_007294.4(BRCA1):c.5406+6T>C

Gene: BRCA1 (BRCA1 DNA repair associated; minus strand). Cytogenetic location: 17q21.31.
Variant type: single nucleotide variant.
Coding change: c.5406+6T>C on transcript NM_007294.4 (MANE Select); 6 bases into the intron after coding-DNA position 5406, T replaced by C.
Molecular consequence: intron variant.
Genome position (GRCh38, 1-based): chr17:43,049,115, A>G on the plus strand (T>C on the coding strand, the complement: BRCA1 is on the minus strand). VCF-style: chr17-43049115-A-G. GRCh37 (hg19) VCF-style: chr17-41201132-A-G.
Other names: c.1953+6T>C (NM_001408458.1, NM_001408461.1, NM_001408464.1 and 7 more transcripts); c.4515+6T>C (NM_001407967.1); c.5025+6T>C (NM_001407959.1); c.5139+6T>C (NM_001407931.1, NM_001407932.1, NM_001407928.1 and 4 more transcripts); c.5262+6T>C (NM_001407747.1, NM_001407745.1, NM_001407737.1 and 18 more transcripts); c.5022+6T>C (NM_001407962.1, NM_001407960.1); c.1593+6T>C (NM_001408512.1); c.1716+6T>C (NM_001408510.1); and 84 more.
Identifiers: ClinVar variation 865713 (VCV000865713.4), dbSNP rs1555575074, ClinGen allele CA916080836.

ClinVar aggregate classification (germline): Uncertain significance (1 of 4 stars; one submission).

Conditions:
Breast-ovarian cancer, familial, susceptibility to, 1 (BROVCA1). Also called: BRCA1 Hereditary Breast and Ovarian Cancer; OVARIAN CANCER, SUSCEPTIBILITY TO. Identifiers: Orphanet 145, MedGen C2676676, MONDO:0011450, OMIM 604370. Disease mechanism: loss of function.

Submissions (2):

Myriad Genetics, Inc.
Classification: Uncertain significance for Breast-ovarian cancer, familial, susceptibility to, 1. Last evaluated: 2023-11-20. Review status: criteria provided, single submitter. Criteria: Myriad Autosomal Dominant, Autosomal Recessive and X-Linked Classification Criteria (2023). Collection method: clinical testing. Allele origin: unknown.
Comment: This variant is classified as a variant of uncertain significance as there is insufficient evidence to determine its impact on protein function and/or cancer risk.

Brotman Baty Institute, University of Washington
No classification provided (evidence only). Condition: Breast-ovarian cancer, familial 1. Review status: no classification provided. Collection method: in vitro. Allele origin: not applicable. Functional consequence: functionally_abnormal. Not counted in ClinVar's aggregate classification.
ClinVar note: "not provided" was previously submitted as the classification for the variant. However, the classification appeared to be based only on an observation of functional data so it was converted to no classification on 2025-07-30.